The following is an entry in ClinVar:

ClinVar aggregate classification (germline): Uncertain significance (1 of 4 stars; one submission).

Conditions:
Seizures, benign familial infantile, 3 (BFIS3). Also called: Familial neonatal seizures; CONVULSIONS, BENIGN FAMILIAL INFANTILE, 3. Identifiers: Orphanet 140927, Orphanet 306, MedGen C1843140, MONDO:0011904, OMIM 607745.
Developmental and epileptic encephalopathy, 11 (DEE11). Also called: Early infantile epileptic encephalopathy 11. Identifiers: Orphanet 1934, MedGen C3150987, MONDO:0013388, OMIM 613721.

Submission:

Labcorp Genetics (formerly Invitae), Labcorp
Classification: Uncertain significance for Seizures, benign familial infantile, 3; Developmental and epileptic encephalopathy, 11. Last evaluated: 2023-10-16. Review status: criteria provided, single submitter. Criteria: Invitae Variant Classification Sherloc (09022015). Collection method: clinical testing. Allele origin: germline.
Comment: This sequence change replaces aspartic acid, which is acidic and polar, with tyrosine, which is neutral and polar, at codon 1598 of the SCN2A protein (p.Asp1598Tyr). This variant is not present in population databases (gnomAD no frequency). This variant has not been reported in the literature in individuals affected with SCN2A-related conditions. ClinVar contains an entry for this variant (Variation ID: 1506860). Advanced modeling of protein sequence and biophysical properties (such as structural, functional, and spatial information, amino acid conservation, physicochemical variation, residue mobility, and thermodynamic stability) performed at Invitae indicates that this missense variant is expected to disrupt SCN2A protein function. In summary, the available evidence is currently insufficient to determine the role of this variant in disease. Therefore, it has been classified as a Variant of Uncertain Significance.

NM_001040142.2(SCN2A):c.4792G>T (p.Asp1598Tyr)

Gene: SCN2A (sodium voltage-gated channel alpha subunit 2; plus strand). Cytogenetic location: 2q24.3.
Variant type: single nucleotide variant.
Coding change: c.4792G>T on transcript NM_001040142.2 (MANE Select); coding-DNA position 4792, G replaced by T.
Protein change: p.Asp1598Tyr; replaces aspartic acid 1598 with tyrosine.
Molecular consequence: missense variant.
Genome position (GRCh38, 1-based): chr2:165,386,986, G>T. VCF-style: chr2-165386986-G-T. GRCh37 (hg19) VCF-style: chr2-166243496-G-T.
Other names: c.4792G>T, p.Asp1598Tyr (NM_001040143.2, NM_001371246.1, NM_001371247.1 and 1 more transcripts); short protein forms D1598Y.
Identifiers: ClinVar variation 1506860 (VCV001506860.6), dbSNP rs2105398617, ClinGen allele CA349036879.